The following is an entry in ClinVar:

NM_000540.3(RYR1):c.13623C>G (p.Phe4541Leu)

Gene: RYR1 (ryanodine receptor 1; plus strand). Cytogenetic location: 19q13.2.
Variant type: single nucleotide variant.
Coding change: c.13623C>G on transcript NM_000540.3 (MANE Select); coding-DNA position 13623, C replaced by G.
Protein change: p.Phe4541Leu; replaces phenylalanine 4541 with leucine.
Molecular consequence: missense variant.
Genome position (GRCh38, 1-based): chr19:38,567,881, C>G. VCF-style: chr19-38567881-C-G. GRCh37 (hg19) VCF-style: chr19-39058521-C-G.
Other names: c.13608C>G, p.Phe4536Leu (NM_001042723.2); c.13623C>G (NM_000540.2); short protein forms F4536L, F4541L.
Identifiers: ClinVar variation 1366092 (VCV001366092.7), dbSNP rs777869263, ClinGen allele CA060245.

ClinVar aggregate classification (germline): Uncertain significance. Review status: criteria provided, multiple submitters, no conflicts (2 of 4 stars). 3 submissions from 3 submitters: Uncertain significance (3). Last evaluated 2026-07-06.

Conditions:
RYR1-related disorder. Also called: RYR1-related condition; RYR1-related disorders. Identifiers: MedGen CN239331.
Inborn genetic diseases. Identifiers: MedGen C0950123, MeSH D030342.
Malignant hyperthermia, susceptibility to, 1 (MHS1). Also called: RYR1-Related Malignant Hyperthermia Susceptibility; Anesthesia related hyperthermia; Malignant hyperpyrexia; Fulminating hyperpyrexia; Pharmacogenic myopathy; Malignant hyperthermia suceptibility 1. Identifiers: Orphanet 423, MedGen C2930980, MONDO:0007783, OMIM 145600.

Allele frequency attached by ClinVar (database versions not stated): TOPMed 0.00003; ExAC 0.00001; gnomAD exomes 0.00004.
gnomAD v4.1: 10 of 1,613,894 alleles (0.00062%); highest among the groups gnomAD compares: Admixed American, 0.017%; no homozygotes.

Submissions (3):

Ambry Genetics
Classification: Uncertain significance for Inborn genetic diseases. Last evaluated: 2026-07-06. Review status: criteria provided, single submitter. Criteria: Ambry Variant Classification Scheme 2023. Collection method: clinical testing. Allele origin: germline.
Comment: The p.F4541L variant (also known as c.13623C>G), located in coding exon 93 of the RYR1 gene, results from a C to G substitution at nucleotide position 13623. The phenylalanine at codon 4541 is replaced by leucine, an amino acid with highly similar properties. This amino acid position is conserved. In addition, the in silico prediction for this alteration is inconclusive. Based on the available evidence, the clinical significance of this variant remains unclear.

Labcorp Genetics (formerly Invitae), Labcorp
Classification: Uncertain significance for RYR1-related disorder. Last evaluated: 2024-10-29. Review status: criteria provided, single submitter. Criteria: Invitae Variant Classification Sherloc (09022015). Collection method: clinical testing. Allele origin: germline.
Comment: This sequence change replaces phenylalanine, which is neutral and non-polar, with leucine, which is neutral and non-polar, at codon 4541 of the RYR1 protein (p.Phe4541Leu). This variant is present in population databases (rs777869263, gnomAD 0.02%). This missense change has been observed in individuals with clinical features of central core disease (internal data). ClinVar contains an entry for this variant (Variation ID: 1366092). Invitae Evidence Modeling of protein sequence and biophysical properties (such as structural, functional, and spatial information, amino acid conservation, physicochemical variation, residue mobility, and thermodynamic stability) indicates that this missense variant is not expected to disrupt RYR1 protein function with a negative predictive value of 80%. In summary, the available evidence is currently insufficient to determine the role of this variant in disease. Therefore, it has been classified as a Variant of Uncertain Significance.

All of Us Research Program, National Institutes of Health
Classification: Uncertain significance for Malignant hyperthermia, susceptibility to, 1. Last evaluated: 2023-05-04. Review status: criteria provided, single submitter. Criteria: ACMG Guidelines, 2015. Collection method: clinical testing. Allele origin: germline. Inheritance: Autosomal dominant inheritance. Observed: 1 variant allele, 1 heterozygote.
Comment: This missense variant replaces phenylalanine with leucine at codon 4541 of the RYR1 protein. Computational prediction is inconclusive regarding the impact of this variant on protein structure and function (internally defined REVEL score threshold 0.5 < inconclusive < 0.7, PMID: 27666373). To our knowledge, functional studies have not been reported for this variant. This variant has not been reported in individuals affected with RYR1-related disorders in the literature. This variant has been identified in 9/248892 chromosomes in the general population by the Genome Aggregation Database (gnomAD). The available evidence is insufficient to determine the role of this variant in disease conclusively. Therefore, this variant is classified as a Variant of Uncertain Significance.

This study involves interpretation of variants in research participants for the purpose of population health screening. Participant phenotype was not available at the time of variant classification. Additional details can be found in publication PMID: 35346344, PMCID: PMC8962531